The following is an entry in ClinVar:

ClinVar aggregate classification (germline): Uncertain significance (1 of 4 stars; one submission).

Allele frequency attached by ClinVar (database versions not stated): ESP Exome Variant Server 0.00008; TOPMed 0.00042; gnomAD 0.00045 and 0.00048; ExAC 0.00088.
gnomAD v4.1: 562 of 1,574,412 alleles (0.036%); highest among the groups gnomAD compares: Middle Eastern, 0.083%; 2 homozygotes.

Submission:

Laboratory for Molecular Medicine, Mass General Brigham Personalized Medicine
Classification: Uncertain significance. Last evaluated: 2015-11-05. Review status: criteria provided, single submitter. Criteria: LMM Criteria. Collection method: clinical testing. Allele origin: germline. Observed: 1 variant allele.
Comment: The c.*15G>A variant in GIPC3 has not been previously reported in individuals wi th hearing loss. It has been identified 0.13% (26/19782) of European chromosome s by the Exome Aggregation Consortium (ExAC; dbS NP rs368944411). This variant occurs in the 3' UTR and its impact is unclear. In summary, the clinical significance of the c.*15G>A variant is uncertain.

NM_133261.3(GIPC3):c.*15G>A

Gene: GIPC3 (GIPC PDZ domain containing family member 3; plus strand). Cytogenetic location: 19p13.3.
Variant type: single nucleotide variant.
Coding change: c.*15G>A on transcript NM_133261.3 (MANE Select); 15 bases downstream of the stop codon, G replaced by A.
Molecular consequence: 3 prime UTR variant.
Genome position (GRCh38, 1-based): chr19:3,590,205, G>A. VCF-style: chr19-3590205-G-A. GRCh37 (hg19) VCF-style: chr19-3590203-G-A.
Identifiers: ClinVar variation 228697 (VCV000228697.4), dbSNP rs368944411, ClinGen allele CA9080645.